The following is an entry in ClinVar:

ClinVar aggregate classification (germline): Conflicting classifications of pathogenicity. Review status: criteria provided, conflicting classifications (1 of 4 stars). 3 submissions from 3 submitters: Uncertain significance (2); Likely benign (1). Last evaluated 2025-10-21.

Conditions:
Hereditary cancer-predisposing syndrome. Also called: Neoplastic Syndromes, Hereditary; Tumor predisposition; Hereditary Cancer Syndrome; Hereditary neoplastic syndrome. Identifiers: Orphanet 140162, MedGen C0027672, MeSH D009386, MONDO:0015356.

Allele frequency attached by ClinVar (database versions not stated): gnomAD 0.00001; gnomAD exomes 0.00001; ExAC 0.00002; TOPMed 0.00002.

Submissions (3):

Labcorp Genetics (formerly Invitae), Labcorp
Classification: Likely benign for Hereditary cancer-predisposing syndrome. Last evaluated: 2025-10-21. Review status: criteria provided, single submitter. Criteria: Invitae Variant Classification Sherloc (09022015). Collection method: clinical testing. Allele origin: germline.

Quest Diagnostics Nichols Institute San Juan Capistrano
Classification: Uncertain significance. Last evaluated: 2025-06-26. Review status: criteria provided, single submitter. Criteria: Quest Diagnostics criteria. Collection method: clinical testing. Allele origin: unknown.
Comment: The RAD50 c.2566C>A (p.Gln856Lys) variant has been reported in the published literature in an individual affected with breast cancer (PMID: 35534704 (2022)). The frequency of this variant in the general population (Genome Aggregation Database) is uninformative in the assessment of its pathogenicity. Analysis of this variant using bioinformatics tools for the prediction of the effect of amino acid changes on protein structure and function yielded predictions that this variant is benign. Based on the available information, we are unable to determine the clinical significance of this variant.

Ambry Genetics
Classification: Uncertain significance for Hereditary cancer-predisposing syndrome. Last evaluated: 2023-02-28. Review status: criteria provided, single submitter. Criteria: Ambry Variant Classification Scheme 2023. Collection method: clinical testing. Allele origin: germline.
Comment: The p.Q856K variant (also known as c.2566C>A), located in coding exon 16 of the RAD50 gene, results from a C to A substitution at nucleotide position 2566. The glutamine at codon 856 is replaced by lysine, an amino acid with similar properties. This amino acid position is highly conserved in available vertebrate species. In addition, the in silico prediction for this alteration is inconclusive. Since supporting evidence is limited at this time, the clinical significance of this alteration remains unclear.

Literature cited by the submitters: PubMed 35534704 (cited by Quest Diagnostics Nichols Institute San Juan Capistrano).

NM_005732.4(RAD50):c.2566C>A (p.Gln856Lys)

Gene: RAD50 (RAD50 double strand break repair protein; plus strand). Cytogenetic location: 5q31.1.
Variant type: single nucleotide variant.
Coding change: c.2566C>A on transcript NM_005732.4 (MANE Select); coding-DNA position 2566, C replaced by A.
Protein change: p.Gln856Lys; replaces glutamine 856 with lysine.
Molecular consequence: missense variant.
Genome position (GRCh38, 1-based): chr5:132,604,847, C>A. VCF-style: chr5-132604847-C-A. GRCh37 (hg19) VCF-style: chr5-131940539-C-A.
Other names: short protein forms Q856K.
Identifiers: ClinVar variation 234244 (VCV000234244.17), dbSNP rs760006536, ClinGen allele CA3405429.